The following is an entry in ClinVar:

ClinVar aggregate classification (germline): Uncertain significance (1 of 4 stars; one submission).

Conditions:
FG syndrome (FGS). Identifiers: MedGen C0220769, MONDO:0002010.

gnomAD v4.1: 1 of 1,188,213 alleles (0.000084%); highest among the groups gnomAD compares: Non-Finnish European, 0.00011%; no homozygotes.

Submission:

Labcorp Genetics (formerly Invitae), Labcorp
Classification: Uncertain significance for FG syndrome. Last evaluated: 2024-11-18. Review status: criteria provided, single submitter. Criteria: Invitae Variant Classification Sherloc (09022015). Collection method: clinical testing. Allele origin: germline.
Comment: This sequence change replaces proline, which is neutral and non-polar, with threonine, which is neutral and polar, at codon 66 of the MED12 protein (p.Pro66Thr). This variant is not present in population databases (gnomAD no frequency). This variant has not been reported in the literature in individuals affected with MED12-related conditions. Invitae Evidence Modeling of protein sequence and biophysical properties (such as structural, functional, and spatial information, amino acid conservation, physicochemical variation, residue mobility, and thermodynamic stability) indicates that this missense variant is not expected to disrupt MED12 protein function with a negative predictive value of 95%. In summary, the available evidence is currently insufficient to determine the role of this variant in disease. Therefore, it has been classified as a Variant of Uncertain Significance.

NM_005120.3(MED12):c.196C>A (p.Pro66Thr)

Gene: MED12 (mediator complex subunit 12; plus strand). Cytogenetic location: Xq13.1.
Variant type: single nucleotide variant.
Coding change: c.196C>A on transcript NM_005120.3 (MANE Select); coding-DNA position 196, C replaced by A.
Protein change: p.Pro66Thr; replaces proline 66 with threonine.
Molecular consequence: missense variant.
Genome position (GRCh38, 1-based): chrX:71,119,469, C>A. VCF-style: chrX-71119469-C-A. GRCh37 (hg19) VCF-style: chrX-70339319-C-A.
Other names: short protein forms P66T.
Identifiers: ClinVar variation 3730112 (VCV003730112.2).